The following is an entry in ClinVar:

NM_003235.5(TG):c.6598del (p.Ser2200fs)

Gene: TG (thyroglobulin; plus strand). Cytogenetic location: 8q24.22.
Variant type: Deletion.
Coding change: c.6598del on transcript NM_003235.5 (MANE Select); coding-DNA position 6598, one base deleted (T; older notation c.6598delT).
Protein change: p.Ser2200fs; shifts the reading frame from serine 2200.
Molecular consequence: frameshift variant.
Genome position (GRCh38, 1-based): chr8:133,017,813, T deleted; the last of 2 consecutive T bases (chr8:133,017,812-133,017,813); deleting either gives the same sequence. VCF-style (leftmost placement, unchanged base first): chr8-133017811-CT-C. GRCh37 (hg19) VCF-style: chr8-134030056-CT-C.
Other names: short protein forms S2200fs.
Identifiers: ClinVar variation 2747726 (VCV002747726.3), dbSNP rs2536862285, ClinGen allele CA2697550171.

ClinVar aggregate classification (germline): Pathogenic (1 of 4 stars; one submission).

Submission:

Labcorp Genetics (formerly Invitae), Labcorp
Classification: Pathogenic. Last evaluated: 2023-07-28. Review status: criteria provided, single submitter. Criteria: Invitae Variant Classification Sherloc (09022015). Collection method: clinical testing. Allele origin: germline.
Comment: This sequence change creates a premature translational stop signal (p.Ser2200Leufs*50) in the TG gene. It is expected to result in an absent or disrupted protein product. Loss-of-function variants in TG are known to be pathogenic (PMID: 19837936, 23164529). This variant is not present in population databases (gnomAD no frequency). This variant has not been reported in the literature in individuals affected with TG-related conditions. For these reasons, this variant has been classified as Pathogenic.

Literature cited by the submitters: PubMed 19837936; PubMed 23164529.